The following is an entry in ClinVar:

ClinVar aggregate classification (germline): Likely benign (0 of 4 stars; one submission).

Conditions:
AGAP2-related disorder. Also called: AGAP2-related condition.

Allele frequency attached by ClinVar (database versions not stated): gnomAD exomes 0.00007; ExAC 0.00024; 1000 Genomes Project 30x 0.00062; gnomAD 0.00072; 1000 Genomes Project 0.00080; TOPMed 0.00082; ESP Exome Variant Server 0.00092.
gnomAD v4.1: 227 of 1,613,474 alleles (0.014%); highest among the groups gnomAD compares: African/African-American, 0.26%; 4 homozygotes.

Submission:

PreventionGenetics, part of Exact Sciences
Classification: Likely benign for AGAP2-related condition. Last evaluated: 2019-03-25. Review status: no assertion criteria provided. Collection method: clinical testing. Allele origin: germline.
Comment: This variant is classified as likely benign based on ACMG/AMP sequence variant interpretation guidelines (Richards et al. 2015 PMID: 25741868, with internal and published modifications).

NM_001122772.3(AGAP2):c.2463T>C (p.Ser821=)

Gene: AGAP2 (ArfGAP with GTPase domain, ankyrin repeat and PH domain 2; minus strand). Cytogenetic location: 12q14.1.
Variant type: single nucleotide variant.
Coding change: c.2463T>C on transcript NM_001122772.3 (MANE Select); coding-DNA position 2463, T replaced by C.
Protein change: p.Ser821=; no amino-acid change (serine 821 retained).
Molecular consequence: synonymous variant.
Genome position (GRCh38, 1-based): chr12:57,729,733, A>G on the plus strand (T>C on the coding strand, the complement: AGAP2 is on the minus strand). VCF-style: chr12-57729733-A-G. GRCh37 (hg19) VCF-style: chr12-58123516-A-G.
Other names: c.1455T>C, p.Ser485= (NM_014770.4).
Identifiers: ClinVar variation 3058107 (VCV003058107.2), dbSNP rs149262637, ClinGen allele CA6656807.